The following is an entry in ClinVar:

ClinVar aggregate classification (germline): Uncertain significance. Review status: criteria provided, multiple submitters, no conflicts (2 of 4 stars). 2 submissions from 2 submitters: Uncertain significance (2). Last evaluated 2025-04-28.

Allele frequency attached by ClinVar (database versions not stated): gnomAD 0.00002 and 0.00003; gnomAD exomes 0.00002 and 0.00004; ExAC 0.00003; TOPMed 0.00004; ESP Exome Variant Server 0.00016.
gnomAD v4.1: 59 of 1,613,986 alleles (0.0037%); highest among the groups gnomAD compares: Non-Finnish European, 0.0047%; no homozygotes.

Submissions (2):

Labcorp Genetics (formerly Invitae), Labcorp
Classification: Uncertain significance. Last evaluated: 2025-04-28. Review status: criteria provided, single submitter. Criteria: Invitae Variant Classification Sherloc (09022015). Collection method: clinical testing. Allele origin: germline.
Comment: This sequence change replaces phenylalanine, which is neutral and non-polar, with leucine, which is neutral and non-polar, at codon 709 of the CNGB1 protein (p.Phe709Leu). This variant is present in population databases (rs370536830, gnomAD 0.007%). This missense change has been observed in individual(s) with retinitis pigmentosa (PMID: 33465333). ClinVar contains an entry for this variant (Variation ID: 866709). Invitae Evidence Modeling of protein sequence and biophysical properties (such as structural, functional, and spatial information, amino acid conservation, physicochemical variation, residue mobility, and thermodynamic stability) indicates that this missense variant is not expected to disrupt CNGB1 protein function with a negative predictive value of 80%. In summary, the available evidence is currently insufficient to determine the role of this variant in disease. Therefore, it has been classified as a Variant of Uncertain Significance.

Blueprint Genetics
Classification: Uncertain significance. Last evaluated: 2017-08-15. Review status: criteria provided, single submitter. Criteria: ACMG Guidelines, 2015. Collection method: clinical testing. Allele origin: germline.

Literature cited by the submitters: PubMed 33465333 (cited by Labcorp Genetics (formerly Invitae), Labcorp).

NM_001297.5(CNGB1):c.2127C>G (p.Phe709Leu)

Gene: CNGB1 (cyclic nucleotide gated channel subunit beta 1; minus strand). Cytogenetic location: 16q21.
Variant type: single nucleotide variant.
Coding change: c.2127C>G on transcript NM_001297.5 (MANE Select); coding-DNA position 2127, C replaced by G.
Protein change: p.Phe709Leu; replaces phenylalanine 709 with leucine.
Molecular consequence: missense variant.
Genome position (GRCh38, 1-based): chr16:57,917,307, G>C on the plus strand (C>G on the coding strand, the complement: CNGB1 is on the minus strand). VCF-style: chr16-57917307-G-C. GRCh37 (hg19) VCF-style: chr16-57951211-G-C.
Other names: c.2109C>G, p.Phe703Leu (NM_001286130.2); short protein forms F703L, F709L.
Identifiers: ClinVar variation 866709 (VCV000866709.11), dbSNP rs370536830, ClinGen allele CA8083172.
Genomic context (GRCh38, chr16:57,917,307, plus strand): 5'-CACCACCTGCCTGTGACTCACAATGATGTCCCCGCCTCTGACAAACTGCAGGCGTGTCTG[G>C]AACACGGTGATGTCCAGGAAGTAGATGAGGTCGCATAGGTAATCCATCAGCAGCCAGTGG-3'
Protein context (NP_001288.3, residues 699-719): DLIYFLDITV[Phe709Leu]QTRLQFVRGG